The following is an entry in ClinVar:

NM_000057.4(BLM):c.1003_1006dup (p.Ser336delinsThrTer)

Gene: BLM (BLM RecQ like helicase; plus strand). Cytogenetic location: 15q26.1.
Variant type: Duplication.
Coding change: c.1003_1006dup on transcript NM_000057.4 (MANE Select); coding-DNA positions 1003 to 1006, 4 bases duplicated (CTTA; older notation c.1003_1006dupCTTA).
Protein change: p.Ser336delinsThrTer.
Molecular consequence: nonsense. On other transcripts: 5 prime UTR variant (1).
Genome position (GRCh38, 1-based): chr15:90,754,854-90,754,857, CTTA duplicated. VCF-style (leftmost placement, unchanged base first): chr15-90754853-T-TCTTA. GRCh37 (hg19) VCF-style: chr15-91298083-T-TCTTA.
Other names: c.1003_1006dup (LRG_20t1); c.1003_1006dup, p.Ser336delinsThrTer (NM_001287246.2, NM_001287247.2); c.-289_-286dup (NM_001287248.2).
Identifiers: ClinVar variation 371550 (VCV000371550.11), dbSNP rs1057517359, ClinGen allele CA16041767.

ClinVar aggregate classification (germline): Pathogenic. Review status: criteria provided, multiple submitters, no conflicts (2 of 4 stars). 3 submissions from 3 submitters: Pathogenic (2). 1 of the submissions does not count toward it. Last evaluated 2025-10-07.

Conditions:
Bloom syndrome (BLM). Also called: Bloom-Torre-Machacek syndrome. Identifiers: Orphanet 125, MedGen C0005859, MONDO:0008876, OMIM 210900.

Submissions (3):

Labcorp Genetics (formerly Invitae), Labcorp
Classification: Pathogenic for Bloom syndrome. Last evaluated: 2025-10-07. Review status: criteria provided, single submitter. Criteria: Invitae Variant Classification Sherloc (09022015). Collection method: clinical testing. Allele origin: germline.
Comment: This sequence change creates a premature translational stop signal (p.Ser336delinsThr*) in the BLM gene. It is expected to result in an absent or disrupted protein product. Loss-of-function variants in BLM are known to be pathogenic (PMID: 17407155). This variant is not present in population databases (gnomAD no frequency). This variant has not been reported in the literature in individuals affected with BLM-related conditions. ClinVar contains an entry for this variant (Variation ID: 371550). For these reasons, this variant has been classified as Pathogenic.

Fulgent Genetics
Classification: Pathogenic for Bloom syndrome. Last evaluated: 2022-03-16. Review status: criteria provided, single submitter. Criteria: ACMG Guidelines, 2015. Collection method: clinical testing. Allele origin: unknown.

Counsyl
Classification: Likely pathogenic for Bloom syndrome. Last evaluated: 2016-10-13. Review status: no assertion criteria provided. Collection method: clinical testing. Allele origin: unknown. Not counted in ClinVar's aggregate classification.

Literature cited by the submitters: PubMed 17407155 (cited by Labcorp Genetics (formerly Invitae), Labcorp).